The following is an entry in ClinVar:

ClinVar aggregate classification (germline): Conflicting classifications of pathogenicity. Review status: criteria provided, conflicting classifications (1 of 4 stars). 5 submissions from 5 submitters: Uncertain significance (1); Likely benign (3). 1 of the submissions does not count toward it. Last evaluated 2026-05-01.

Conditions:
Imerslund-Grasbeck syndrome type 1 (IGS1). Also called: Megaloblastic anemia 1, Finnish type; MEGALOBLASTIC ANEMIA, 1; Imerslund-Gräsbeck syndrome 1. Identifiers: MedGen C4016819, MONDO:0100156, OMIM 261100.
CUBN-related disorder. Also called: CUBN-related condition.
Imerslund-Grasbeck syndrome. Also called: Megaloblastic anemia due to inborn errors of metabolism; PERNICIOUS ANEMIA, JUVENILE, DUE TO SELECTIVE INTESTINAL MALABSORPTION OF VITAMIN B12, WITH PROTEINURIA; Imerslund-Gräsbeck syndrome; ENTEROCYTE COBALAMIN MALABSORPTION; ENTEROCYTE INTRINSIC FACTOR RECEPTOR, DEFECT OF. Identifiers: Orphanet 35858, MedGen C4551825, MONDO:0009853.

Allele frequency attached by ClinVar (database versions not stated): gnomAD 0.00012 and 0.00013; ESP Exome Variant Server 0.00015; TOPMed 0.00019; ExAC 0.00023; gnomAD exomes 0.00024.
gnomAD v4.1: 286 of 1,612,954 alleles (0.018%); highest among the groups gnomAD compares: Middle Eastern, 0.18%; no homozygotes.

Submissions (5):

CeGaT Center for Human Genetics Tuebingen
Classification: Likely benign. Last evaluated: 2026-05-01. Review status: criteria provided, single submitter. Criteria: CeGaT Center For Human Genetics Tuebingen Variant Classification Criteria Version 2. Collection method: clinical testing. Allele origin: germline. Affected: yes. Observed: 2 variant alleles.
Comment: CUBN: BP4, BP7

Labcorp Genetics (formerly Invitae), Labcorp
Classification: Likely benign for Imerslund-Grasbeck syndrome. Last evaluated: 2025-10-01. Review status: criteria provided, single submitter. Criteria: Invitae Variant Classification Sherloc (09022015). Collection method: clinical testing. Allele origin: germline.

Blueprint Genetics
Classification: Likely benign. Last evaluated: 2024-11-26. Review status: criteria provided, single submitter. Criteria: ACMG Guidelines, 2015. Collection method: clinical testing. Allele origin: germline.

Illumina Laboratory Services, Illumina
Classification: Uncertain significance for Imerslund-Grasbeck syndrome type 1. Last evaluated: 2018-01-12. Review status: criteria provided, single submitter. Criteria: ICSL Variant Classification Criteria 13 December 2019. Collection method: clinical testing. Allele origin: germline.

PreventionGenetics, part of Exact Sciences
Classification: Likely benign for CUBN-related condition. Last evaluated: 2019-12-03. Review status: no assertion criteria provided. Collection method: clinical testing. Allele origin: germline. Not counted in ClinVar's aggregate classification.
Comment: This variant is classified as likely benign based on ACMG/AMP sequence variant interpretation guidelines (Richards et al. 2015 PMID: 25741868, with internal and published modifications).

NM_001081.4(CUBN):c.1236T>C (p.Thr412=)

Genes: CUBN (cubilin; minus strand), LOC129390143 (MPRA-validated peak884 silencer; plus strand). Cytogenetic location: 10p13.
Variant type: single nucleotide variant.
Coding change: c.1236T>C on transcript NM_001081.4 (MANE Select); coding-DNA position 1236, T replaced by C.
Protein change: p.Thr412=; no amino-acid change (threonine 412 retained).
Molecular consequence: synonymous variant.
Genome position (GRCh38, 1-based): chr10:17,104,600, A>G on the plus strand (T>C on the coding strand, the complement: CUBN is on the minus strand). VCF-style: chr10-17104600-A-G. GRCh37 (hg19) VCF-style: chr10-17146599-A-G.
Identifiers: ClinVar variation 699198 (VCV000699198.20), dbSNP rs201404467, ClinGen allele CA5425329.